The following is an entry in ClinVar:

NM_022124.6(CDH23):c.5937G>A (p.Thr1979=)

Gene: CDH23 (cadherin related 23; plus strand). Cytogenetic location: 10q22.1.
Variant type: single nucleotide variant.
Coding change: c.5937G>A on transcript NM_022124.6 (MANE Select); coding-DNA position 5937, G replaced by A.
Protein change: p.Thr1979=; no amino-acid change (threonine 1979 retained).
Molecular consequence: synonymous variant.
Genome position (GRCh38, 1-based): chr10:71,790,301, G>A. VCF-style: chr10-71790301-G-A. GRCh37 (hg19) VCF-style: chr10-73550058-G-A.
Identifiers: ClinVar variation 45996 (VCV000045996.20), dbSNP rs397517347, ClinGen allele CA137513.

ClinVar aggregate classification (germline): Conflicting classifications of pathogenicity. Review status: criteria provided, conflicting classifications (1 of 4 stars). 6 submissions from 5 submitters: Uncertain significance (2); Likely benign (4). Last evaluated 2025-09-08.

Conditions:
CDH23-related disorder. Also called: CDH23-related disorders; CDH23-related condition.
Autosomal recessive nonsyndromic hearing loss 12. Also called: DEAFNESS, AUTOSOMAL RECESSIVE 12. Identifiers: Orphanet 90636, MedGen C1832394, MONDO:0011067, OMIM 601386.
Usher syndrome type 1D (USH1D). Also called: USHER SYNDROME, TYPE ID. Identifiers: Orphanet 231169, Orphanet 886, MedGen C1832845, MONDO:0010984, OMIM 601067.

Allele frequency attached by ClinVar (database versions not stated): gnomAD 0.00003 and 0.00004; gnomAD exomes 0.00003 and 0.00010; TOPMed 0.00006; ExAC 0.00012.
gnomAD v4.1: 51 of 1,613,656 alleles (0.0032%); highest among the groups gnomAD compares: Admixed American, 0.03%; no homozygotes.

Submissions (6):

Labcorp Genetics (formerly Invitae), Labcorp
Classification: Likely benign. Last evaluated: 2025-09-08. Review status: criteria provided, single submitter. Criteria: Invitae Variant Classification Sherloc (09022015). Collection method: clinical testing. Allele origin: germline.

PreventionGenetics, part of Exact Sciences
Classification: Likely benign for CDH23-related condition. Last evaluated: 2025-01-02. Review status: criteria provided, single submitter. Criteria: ACMG Guidelines, 2015. Collection method: clinical testing. Allele origin: germline.
Comment: This variant is classified as likely benign based on ACMG/AMP sequence variant interpretation guidelines (Richards et al. 2015 PMID: 25741868, with internal and published modifications).

Blueprint Genetics
Classification: Likely benign. Last evaluated: 2023-11-28. Review status: criteria provided, single submitter. Criteria: ACMG Guidelines, 2015. Collection method: clinical testing. Allele origin: germline.

Illumina Laboratory Services, Illumina
Classification: Uncertain significance for Autosomal recessive nonsyndromic hearing loss 12. Last evaluated: 2018-01-12. Review status: criteria provided, single submitter. Criteria: ICSL Variant Classification Criteria 13 December 2019. Collection method: clinical testing. Allele origin: germline.

Illumina Laboratory Services, Illumina
Classification: Uncertain significance for Usher syndrome type 1D. Last evaluated: 2018-01-12. Review status: criteria provided, single submitter. Criteria: ICSL Variant Classification Criteria 13 December 2019. Collection method: clinical testing. Allele origin: germline.

Laboratory for Molecular Medicine, Mass General Brigham Personalized Medicine
Classification: Likely benign. Last evaluated: 2011-06-26. Review status: criteria provided, single submitter. Criteria: LMM Criteria. Collection method: clinical testing. Allele origin: germline. Observed: 2 variant alleles.
Comment: p.Thr1979Thr in exon 46 of CDH23: This variant is not expected to have clinical significance because it does not alter an amino acid residue and is not located near a splice junction. It has been identified in 16/33572 of Latino chromosomes by the Genome Aggregation Database (gnomAD; d bSNP rs397517347).